The following is an entry in ClinVar:

ClinVar aggregate classification (germline): Likely benign. Review status: criteria provided, single submitter (1 of 4 stars). 2 submissions from 2 submitters: Likely benign (1). 1 of the submissions does not count toward it. Last evaluated 2023-08-27.

Conditions:
NPHP4-related disorder. Also called: NPHP4-related disorders; NPHP4-related condition. Identifiers: MedGen CN239384.
Nephronophthisis. Also called: Juvenile Nephronophthisis. Identifiers: Orphanet 655, MedGen C0687120, MONDO:0019005, HP:0000090.

Allele frequency attached by ClinVar (database versions not stated): gnomAD 0.00001; TOPMed 0.00001; ESP Exome Variant Server 0.00008.
gnomAD v4.1: 7 of 1,613,734 alleles (0.00043%); highest among the groups gnomAD compares: Non-Finnish European, 0.00051%; no homozygotes.

Submissions (2):

Labcorp Genetics (formerly Invitae), Labcorp
Classification: Likely benign for Nephronophthisis. Last evaluated: 2023-08-27. Review status: criteria provided, single submitter. Criteria: Invitae Variant Classification Sherloc (09022015). Collection method: clinical testing. Allele origin: germline.

PreventionGenetics, part of Exact Sciences
Classification: Likely benign for NPHP4-related condition. Last evaluated: 2022-06-06. Review status: no assertion criteria provided. Collection method: clinical testing. Allele origin: germline. Not counted in ClinVar's aggregate classification.
Comment: This variant is classified as likely benign based on ACMG/AMP sequence variant interpretation guidelines (Richards et al. 2015 PMID: 25741868, with internal and published modifications).

NM_015102.5(NPHP4):c.4098C>T (p.Ser1366=)

Gene: NPHP4 (nephrocystin 4; minus strand). Cytogenetic location: 1p36.31.
Variant type: single nucleotide variant.
Coding change: c.4098C>T on transcript NM_015102.5 (MANE Select); coding-DNA position 4098, C replaced by T.
Protein change: p.Ser1366=; no amino-acid change (serine 1366 retained).
Molecular consequence: synonymous variant. On other transcripts: non-coding transcript variant (1).
Genome position (GRCh38, 1-based): chr1:5,863,932, G>A on the plus strand (C>T on the coding strand, the complement: NPHP4 is on the minus strand). VCF-style: chr1-5863932-G-A. GRCh37 (hg19) VCF-style: chr1-5923992-G-A.
Other names: c.4098C>T (NM_015102.4); c.2559C>T, p.Ser853= (NM_001291593.2); c.2562C>T, p.Ser854= (NM_001291594.2).
Identifiers: ClinVar variation 2741389 (VCV002741389.5), dbSNP rs371833634, ClinGen allele CA17124846.